The following is an entry in ClinVar:

NM_001961.4(EEF2):c.737C>G (p.Pro246Arg)

Gene: EEF2 (eukaryotic translation elongation factor 2; minus strand). Cytogenetic location: 19p13.3.
Variant type: single nucleotide variant.
Coding change: c.737C>G on transcript NM_001961.4 (MANE Select); coding-DNA position 737, C replaced by G.
Protein change: p.Pro246Arg; replaces proline 246 with arginine.
Molecular consequence: missense variant.
Genome position (GRCh38, 1-based): chr19:3,982,300, G>C on the plus strand (C>G on the coding strand, the complement: EEF2 is on the minus strand). VCF-style: chr19-3982300-G-C. GRCh37 (hg19) VCF-style: chr19-3982298-G-C.
Other names: short protein forms P246R.
Identifiers: ClinVar variation 3391448 (VCV003391448.1).

ClinVar aggregate classification (germline): Uncertain significance (1 of 4 stars; one submission).

gnomAD v4.1: 1 of 1,614,154 alleles (0.000062%); highest among the groups gnomAD compares: Non-Finnish European, 0.000085%; no homozygotes.

Submission:

GeneDx
Classification: Uncertain significance. Last evaluated: 2024-06-21. Review status: criteria provided, single submitter. Criteria: GeneDx Variant Classification Process June 2021. Collection method: clinical testing. Allele origin: germline. Affected: yes.
Comment: Not observed at significant frequency in large population cohorts (gnomAD); In silico analysis indicates that this missense variant does not alter protein structure/function; Has not been previously published as pathogenic or benign to our knowledge